The following is an entry in ClinVar:

NM_015443.4(KANSL1):c.2053C>A (p.Leu685Met)

Gene: KANSL1 (KAT8 regulatory NSL complex subunit 1). Cytogenetic location: 17q21.31.
Variant type: single nucleotide variant.
Coding change: c.2053C>A on transcript NM_015443.4 (MANE Select); coding-DNA position 2053, C replaced by A.
Protein change: p.Leu685Met; replaces leucine 685 with methionine.
Molecular consequence: missense variant.
Genome position (GRCh38, 1-based): chr17:46,039,852, G>T on the plus strand (C>A on the coding strand, the complement: KANSL1 is on the minus strand). VCF-style: chr17-46039852-G-T. GRCh37 (hg19) VCF-style: chr17-44117218-G-T.
Other names: c.2053C>A, p.Leu685Met (NM_001193465.2, NM_001193466.2, NM_001379198.1 and 14 more transcripts); c.1951C>A, p.Leu651Met (NM_001405859.1, NM_001405860.1, NM_001405861.1 and 1 more transcripts); c.787C>A, p.Leu263Met (NM_001405882.1, NM_001405883.1, NM_001405884.1 and 1 more transcripts); short protein forms L263M, L651M, L685M.
Identifiers: ClinVar variation 3769979 (VCV003769979.1).

ClinVar aggregate classification (germline): Uncertain significance (1 of 4 stars; one submission).

Submission:

GeneDx
Classification: Uncertain significance. Last evaluated: 2024-09-11. Review status: criteria provided, single submitter. Criteria: GeneDx Variant Classification Process June 2021. Collection method: clinical testing. Allele origin: germline. Affected: yes.
Comment: Not observed at significant frequency in large population cohorts (gnomAD); In silico analysis indicates that this missense variant does not alter protein structure/function; Has not been previously published as pathogenic or benign to our knowledge